The following is an entry in ClinVar:

NM_000755.5(CRAT):c.805G>A (p.Asp269Asn)

Gene: CRAT (carnitine O-acetyltransferase; minus strand). Cytogenetic location: 9q34.11.
Variant type: single nucleotide variant.
Coding change: c.805G>A on transcript NM_000755.5 (MANE Select); coding-DNA position 805, G replaced by A.
Protein change: p.Asp269Asn; replaces aspartic acid 269 with asparagine.
Molecular consequence: missense variant.
Genome position (GRCh38, 1-based): chr9:129,101,883, C>T on the plus strand (G>A on the coding strand, the complement: CRAT is on the minus strand). VCF-style: chr9-129101883-C-T. GRCh37 (hg19) VCF-style: chr9-131864162-C-T.
Other names: c.742G>A, p.Asp248Asn (NM_001257363.3, NM_001346548.2, NM_004003.4); c.808G>A, p.Asp270Asn (NM_001346546.2); c.805G>A, p.Asp269Asn (NM_001346547.2); c.685G>A, p.Asp229Asn (NM_001346549.2); short protein forms D229N, D248N, D269N, D270N.
Identifiers: ClinVar variation 3728006 (VCV003728006.2).
Genomic context (GRCh38, chr9:129,101,883, plus strand): 5'-TGGTCCCCAACAGGGGAAGAGGCCTGGGTGTGCAGCCCCAGCACGGCCCCCAAGAGGCAC[C>T]TTTGATGAGGGTGTTGTATGCCTTGGCCCAGGAGTTGCGGTGGTTGGAGGTGAGGATGCC-3'
Protein context (NP_000746.3, residues 259-279): WAKAYNTLIK[Asp269Asn]KVNRDSVRSI

ClinVar aggregate classification (germline): Uncertain significance (1 of 4 stars; one submission).

Submission:

Labcorp Genetics (formerly Invitae), Labcorp
Classification: Uncertain significance. Last evaluated: 2025-03-06. Review status: criteria provided, single submitter. Criteria: Invitae Variant Classification Sherloc (09022015). Collection method: clinical testing. Allele origin: germline.
Comment: This sequence change replaces aspartic acid, which is acidic and polar, with asparagine, which is neutral and polar, at codon 269 of the CRAT protein (p.Asp269Asn). This variant also falls at the last nucleotide of exon 6, which is part of the consensus splice site for this exon. This variant is not present in population databases (gnomAD no frequency). This variant has not been reported in the literature in individuals affected with CRAT-related conditions. An algorithm developed to predict the effect of missense changes on protein structure and function (PolyPhen-2) suggests that this variant is likely to be disruptive. Variants that disrupt the consensus splice site are a relatively common cause of aberrant splicing (PMID: 17576681, 9536098). Algorithms developed to predict the effect of sequence changes on RNA splicing suggest that this variant may disrupt the consensus splice site. In summary, the available evidence is currently insufficient to determine the role of this variant in disease. Therefore, it has been classified as a Variant of Uncertain Significance.

Literature cited by the submitters: PubMed 17576681; PubMed 9536098.